The following is an entry in ClinVar:

NM_022124.6(CDH23):c.1653G>T (p.Val551=)

Gene: CDH23 (cadherin related 23; plus strand). Cytogenetic location: 10q22.1.
Variant type: single nucleotide variant.
Coding change: c.1653G>T on transcript NM_022124.6 (MANE Select); coding-DNA position 1653, G replaced by T.
Protein change: p.Val551=; no amino-acid change (valine 551 retained).
Molecular consequence: synonymous variant.
Genome position (GRCh38, 1-based): chr10:71,677,594, G>T. VCF-style: chr10-71677594-G-T. GRCh37 (hg19) VCF-style: chr10-73437351-G-T.
Other names: c.1653G>T, p.Val551= (NM_001171930.2, NM_001171931.2); c.1653G>T (NM_022124.5).
Identifiers: ClinVar variation 1149036 (VCV001149036.10), dbSNP rs764244626, ClinGen allele CA5543917.

ClinVar aggregate classification (germline): Conflicting classifications of pathogenicity. Review status: criteria provided, conflicting classifications (1 of 4 stars). 2 submissions from 2 submitters: Uncertain significance (1); Likely benign (1). Last evaluated 2024-07-09.

Allele frequency attached by ClinVar (database versions not stated): TOPMed below 0.00001; ExAC 0.00001; gnomAD 0.00001; gnomAD exomes below 0.00001.
gnomAD v4.1: 2 of 1,608,438 alleles (0.00012%); highest among the groups gnomAD compares: Non-Finnish European, 0.00017%; no homozygotes.

Submissions (2):

GeneDx
Classification: Uncertain significance. Last evaluated: 2024-07-09. Review status: criteria provided, single submitter. Criteria: GeneDx Variant Classification Process June 2021. Collection method: clinical testing. Allele origin: germline. Affected: yes.
Comment: Not observed at significant frequency in large population cohorts (gnomAD); In silico analysis indicates that this variant does not alter splicing; Has not been previously published as pathogenic or benign to our knowledge

Labcorp Genetics (formerly Invitae), Labcorp
Classification: Likely benign. Last evaluated: 2023-09-17. Review status: criteria provided, single submitter. Criteria: Invitae Variant Classification Sherloc (09022015). Collection method: clinical testing. Allele origin: germline.